The following is an entry in ClinVar:

ClinVar aggregate classification (germline): Uncertain significance (1 of 4 stars; one submission).

Conditions:
Creatine transporter deficiency (CCDS1). Also called: CEREBRAL CREATINE DEFICIENCY SYNDROME 1; Mental retardation , X-linked with seizures, short stature and midface hypoplasia; Mental retardation , X-linked, with creatine transport deficiency; X-linked creatine transporter deficiency; X-linked creatine deficiency syndrome; SLC6A8-Related Creatine Transporter Deficiency. Identifiers: Orphanet 52503, MedGen C1845862, MONDO:0010305, OMIM 300352.

Submission:

Labcorp Genetics (formerly Invitae), Labcorp
Classification: Uncertain significance for Creatine transporter deficiency. Last evaluated: 2023-12-13. Review status: criteria provided, single submitter. Criteria: Invitae Variant Classification Sherloc (09022015). Collection method: clinical testing. Allele origin: germline.
Comment: This sequence change replaces serine, which is neutral and polar, with asparagine, which is neutral and polar, at codon 194 of the SLC6A8 protein (p.Ser194Asn). This variant is not present in population databases (gnomAD no frequency). This variant has not been reported in the literature in individuals affected with SLC6A8-related conditions. Advanced modeling of protein sequence and biophysical properties (such as structural, functional, and spatial information, amino acid conservation, physicochemical variation, residue mobility, and thermodynamic stability) performed at Invitae indicates that this missense variant is not expected to disrupt SLC6A8 protein function with a negative predictive value of 95%. In summary, the available evidence is currently insufficient to determine the role of this variant in disease. Therefore, it has been classified as a Variant of Uncertain Significance.

NM_005629.4(SLC6A8):c.581G>A (p.Ser194Asn)

Gene: SLC6A8 (solute carrier family 6 member 8; plus strand). Cytogenetic location: Xq28.
Variant type: single nucleotide variant.
Coding change: c.581G>A on transcript NM_005629.4 (MANE Select); coding-DNA position 581, G replaced by A.
Protein change: p.Ser194Asn; replaces serine 194 with asparagine.
Molecular consequence: missense variant.
Genome position (GRCh38, 1-based): chrX:153,691,490, G>A. VCF-style: chrX-153691490-G-A. GRCh37 (hg19) VCF-style: chrX-152956945-G-A.
Other names: c.581G>A, p.Ser194Asn (NM_001142805.2); c.236G>A, p.Ser79Asn (NM_001142806.1); short protein forms S194N, S79N.
Identifiers: ClinVar variation 2696127 (VCV002696127.3), dbSNP rs2522156380, ClinGen allele CA415079223.